The following is an entry in ClinVar:

ClinVar aggregate classification (germline): Pathogenic (1 of 4 stars; one submission).

Submission:

Labcorp Genetics (formerly Invitae), Labcorp
Classification: Pathogenic. Last evaluated: 2025-04-05. Review status: criteria provided, single submitter. Criteria: Invitae Variant Classification Sherloc (09022015). Collection method: clinical testing. Allele origin: germline.
Comment: This sequence change creates a premature translational stop signal (p.Arg2106Alafs*14) in the NBAS gene. It is expected to result in an absent or disrupted protein product. Loss-of-function variants in NBAS are known to be pathogenic (PMID: 26073778, 26541327, 27789416, 28031453). This variant is not present in population databases (gnomAD no frequency). This variant has not been reported in the literature in individuals affected with NBAS-related conditions. ClinVar contains an entry for this variant (Variation ID: 2022534). For these reasons, this variant has been classified as Pathogenic.

Literature cited by the submitters: PubMed 26073778; PubMed 26541327; PubMed 27789416; PubMed 28031453.

NM_015909.4(NBAS):c.6312del (p.Arg2106fs)

Gene: NBAS (NBAS subunit of NRZ tethering complex; minus strand). Cytogenetic location: 2p24.3.
Variant type: Deletion.
Coding change: c.6312del on transcript NM_015909.4 (MANE Select); coding-DNA position 6312, one base deleted (G; older notation c.6312delG).
Protein change: p.Arg2106fs; shifts the reading frame from arginine 2106.
Molecular consequence: frameshift variant.
Genome position (GRCh38, 1-based): chr2:15,218,893, C deleted on the plus strand (G on the coding strand, the reverse complement: NBAS is on the minus strand); the first of 2 consecutive C bases (chr2:15,218,893-15,218,894); deleting either gives the same sequence. VCF-style (leftmost placement, unchanged base first): chr2-15218892-GC-G. GRCh37 (hg19) VCF-style: chr2-15359016-GC-G.
Other names: short protein forms R2106fs.
Identifiers: ClinVar variation 2022534 (VCV002022534.4), dbSNP rs1343339242, ClinGen allele CA758915134.
Genomic context (GRCh38, chr2:15,218,892, plus strand): 5'-TGCTGTCCTCCTCAGTCAGGTGAAATGATTGCCCCAAAATCTGCAGCACGTGAATGCGGG[GC>G]CGCACCGGCCAGGCGTCATCAGCACAGAAAGGCCGCAGCCACTCCAGCAGGTCCTCAGGT-3'